The following is an entry in ClinVar:

ClinVar aggregate classification (germline): Likely benign (1 of 4 stars; one submission).

Conditions:
GNAS-related disorder. Identifiers: MedGen CN380105.

gnomAD v4.1: 2 of 1,614,144 alleles (0.00012%); highest among the groups gnomAD compares: East Asian, 0.0022%; no homozygotes.

Submission:

PreventionGenetics, part of Exact Sciences
Classification: Likely benign for GNAS-related condition. Last evaluated: 2026-08-16. Review status: criteria provided, single submitter. Criteria: ACMG Guidelines, 2015. Collection method: clinical testing. Allele origin: germline.
Comment: This variant is classified as likely benign based on ACMG/AMP sequence variant interpretation guidelines (Richards et al. 2015 PMID: 25741868, with internal and published modifications).

NM_000516.7(GNAS):c.1092C>T (p.Thr364=)

Gene: GNAS (GNAS complex locus; plus strand). Cytogenetic location: 20q13.32.
Variant type: single nucleotide variant.
Coding change: c.1092C>T on transcript NM_000516.7 (MANE Select); coding-DNA position 1092, C replaced by T.
Protein change: p.Thr364=; no amino-acid change (threonine 364 retained).
Molecular consequence: synonymous variant. On other transcripts: 3 prime UTR variant (2).
Genome position (GRCh38, 1-based): chr20:58,910,736, C>T. VCF-style: chr20-58910736-C-T. GRCh37 (hg19) VCF-style: chr20-57485791-C-T.
Other names: c.1095C>T, p.Thr365= (NM_001077488.5); c.1047C>T, p.Thr349= (NM_001077489.4); c.*953C>T (NM_001077490.3); c.915C>T, p.Thr305= (NM_001309840.2, NM_001309861.2, NM_001438276.1 and 1 more transcripts); c.996C>T, p.Thr332= (NM_001410912.1); c.2976C>T, p.Thr992= (NM_001410913.1); c.870C>T, p.Thr290= (NM_001438273.1, NM_001438274.1, NM_001438275.1); c.*998C>T (NM_016592.5); and 2 more.
Identifiers: ClinVar variation 5000703 (VCV005000703.1).